The following is an entry in ClinVar:

NM_001242896.3(DEPDC5):c.3394C>T (p.Gln1132Ter)

Gene: DEPDC5 (DEP domain containing 5, GATOR1 subcomplex subunit; plus strand). Cytogenetic location: 22q12.3.
Variant type: single nucleotide variant.
Coding change: c.3394C>T on transcript NM_001242896.3 (MANE Select); coding-DNA position 3394, C replaced by T.
Protein change: p.Gln1132Ter; replaces glutamine 1132 with a stop codon.
Molecular consequence: nonsense. On other transcripts: non-coding transcript variant (5).
Genome position (GRCh38, 1-based): chr22:31,870,653, C>T. VCF-style: chr22-31870653-C-T. GRCh37 (hg19) VCF-style: chr22-32266639-C-T.
Other names: c.3367C>T, p.Gln1123Ter (NM_001136029.4); c.3094C>T, p.Gln1032Ter (NM_001242897.2); c.3328C>T, p.Gln1110Ter (NM_001363852.2, NM_001364320.2); c.3160C>T, p.Gln1054Ter (NM_001363854.2, NM_001364319.2); c.3394C>T, p.Gln1132Ter (NM_001364318.2); c.3310C>T, p.Gln1104Ter (NM_001369901.1, NM_001369902.1); c.3301C>T, p.Gln1101Ter (NM_001369903.1, NM_014662.6); short protein forms Q1032*, Q1054*, Q1101*, Q1104*, Q1110*, Q1123*, Q1132*.
Identifiers: ClinVar variation 4852246 (VCV004852246.1).

ClinVar aggregate classification (germline): Likely pathogenic (1 of 4 stars; one submission).

Conditions:
Epilepsy, familial focal, with variable foci 1 (FFEVF1). Also called: DEPDC5-Related Epilepsy. Identifiers: MedGen C4551983, MONDO:0024556, OMIM 604364.

Submission:

Variantyx, Inc.
Classification: Likely pathogenic for Epilepsy, familial focal, with variable foci 1. Last evaluated: 2025-10-24. Review status: criteria provided, single submitter. Criteria: Variantyx Assertion Criteria 2022. Collection method: clinical testing. Allele origin: germline. Inheritance: Autosomal dominant inheritance. Affected: yes.
Comment: This is a nonsense variant in the DEPDC5 gene (OMIM: 614191). Pathogenic variants in this gene have been associated with autosomal dominant familial focal epilepsy with variable foci 1. This variant introduces a premature termination codon in exon 34 out of 43 and is expected to result in loss of function, which is a known disease mechanism for DEPDC5 in this disorder (PMID: 23542697, 23542701) (PVS1). This variant is absent from control populations (PM2), and it has not been reported in individuals with DEPDC5-related disorders in the databases available for review. Based on the current evidence, this variant is classified as likely pathogenic for autosomal dominant familial focal epilepsy with variable foci 1.

Literature cited by the submitters: PubMed 23542697; PubMed 23542701.